The following is an entry in ClinVar:

ClinVar aggregate classification (germline): Uncertain significance (1 of 4 stars; one submission).

Submission:

GeneDx
Classification: Uncertain significance. Last evaluated: 2025-03-20. Review status: criteria provided, single submitter. Criteria: GeneDx Variant Classification Process June 2021. Collection method: clinical testing. Allele origin: germline. Affected: yes.
Comment: Not observed at significant frequency in large population cohorts (gnomAD); In silico analysis indicates that this variant does not alter splicing; Has not been previously published as pathogenic or benign to our knowledge

NM_000718.4(CACNA1B):c.5777+4A>C

Gene: CACNA1B (calcium voltage-gated channel subunit alpha1 B; plus strand). Cytogenetic location: 9q34.3.
Variant type: single nucleotide variant.
Coding change: c.5777+4A>C on transcript NM_000718.4 (MANE Select); 4 bases into the intron after coding-DNA position 5777, A replaced by C.
Molecular consequence: intron variant.
Genome position (GRCh38, 1-based): chr9:138,115,683, A>C. VCF-style: chr9-138115683-A-C. GRCh37 (hg19) VCF-style: chr9-141010135-A-C.
Other names: c.5777+4A>C (NM_001243812.2).
Identifiers: ClinVar variation 4086775 (VCV004086775.1).